The following is an entry in ClinVar:

ClinVar aggregate classification (germline): Conflicting classifications of pathogenicity. Review status: criteria provided, conflicting classifications (1 of 4 stars). 4 submissions from 4 submitters: Uncertain significance (1); Benign (1); Likely benign (1). 1 of the submissions does not count toward it. Last evaluated 2024-11-25.

Conditions:
FSIP2-related disorder. Also called: FSIP2-related condition.

Allele frequency attached by ClinVar (database versions not stated): 1000 Genomes Project 0.00180; 1000 Genomes Project 30x 0.00203; gnomAD 0.00257 and 0.00259; TOPMed 0.00286; ExAC 0.00319; gnomAD exomes 0.00339 and 0.00365.
gnomAD v4.1: 5,087 of 1,532,472 alleles (0.33%); highest among the groups gnomAD compares: Middle Eastern, 1.8%; 15 homozygotes.

Submissions (4):

Blueprint Genetics
Classification: Likely benign. Last evaluated: 2024-11-25. Review status: criteria provided, single submitter. Criteria: ACMG Guidelines, 2015. Collection method: clinical testing. Allele origin: germline.

CeGaT Center for Human Genetics Tuebingen
Classification: Uncertain significance. Last evaluated: 2020-12-01. Review status: criteria provided, single submitter. Criteria: CeGaT Center For Human Genetics Tuebingen Variant Classification Criteria Version 2. Collection method: clinical testing. Allele origin: germline. Affected: yes. Observed: 1 variant allele.

Labcorp Genetics (formerly Invitae), Labcorp
Classification: Benign. Last evaluated: 2019-12-31. Review status: criteria provided, single submitter. Criteria: Invitae Variant Classification Sherloc (09022015). Collection method: clinical testing. Allele origin: germline.

PreventionGenetics, part of Exact Sciences
Classification: Benign for FSIP2-related condition. Last evaluated: 2019-11-26. Review status: no assertion criteria provided. Collection method: clinical testing. Allele origin: germline. Not counted in ClinVar's aggregate classification.
Comment: This variant is classified as benign based on ACMG/AMP sequence variant interpretation guidelines (Richards et al. 2015 PMID: 25741868, with internal and published modifications).

NM_173651.4(FSIP2):c.8947G>A (p.Gly2983Ser)

Genes: FSIP2 (fibrous sheath interacting protein 2; plus strand), FSIP2-AS1 (FSIP2 antisense RNA 1; minus strand). Cytogenetic location: 2q32.1.
Variant type: single nucleotide variant.
Coding change: c.8947G>A on transcript NM_173651.4 (MANE Select); coding-DNA position 8947, G replaced by A.
Protein change: p.Gly2983Ser; replaces glycine 2983 with serine.
Molecular consequence: missense variant.
Genome position (GRCh38, 1-based): chr2:185,796,083, G>A. VCF-style: chr2-185796083-G-A. GRCh37 (hg19) VCF-style: chr2-186660810-G-A.
Other names: c.8947G>A (NM_173651.3); short protein forms G2983S.
Identifiers: ClinVar variation 789270 (VCV000789270.44), dbSNP rs142675481, ClinGen allele CA2016843.
Genomic context (GRCh38, chr2:185,796,083, plus strand): 5'-AAGCATAGCCTCAGCAGTTTACCAATCTATAACACAAAGACAAAAGACCAAATTTCTGTG[G>A]GCTCCAGCAACCAAATTGTTCAAGAGATTGTAGAAACGGTTTTAAACATGTTAGAGTCAT-3'
Protein context (NP_775922.3, residues 2973-2993): NTKTKDQISV[Gly2983Ser]SSNQIVQEIV